The following is an entry in ClinVar:

ClinVar aggregate classification (germline): Conflicting classifications of pathogenicity. Review status: criteria provided, conflicting classifications (1 of 4 stars). 2 submissions from 2 submitters: Uncertain significance (1); Likely benign (1). Last evaluated 2025-05-19.

Conditions:
Inborn genetic diseases. Identifiers: MedGen C0950123, MeSH D030342.
Neuropathy, hereditary sensory, type 2C. Also called: KIF1A-Related HSAN2 (HSAN2C); Hereditary sensory and autonomic neuropathy type IIC. Identifiers: Orphanet 970, MedGen C3280168, MONDO:0013634, OMIM 614213.
Intellectual disability, autosomal dominant 9 (NESCAVS). Also called: KIF1A-Related Neurodevelopmental Disorder; NESCAV SYNDROME. Identifiers: Orphanet 662367, MedGen C5393830, MONDO:0013656, OMIM 614255.
Hereditary spastic paraplegia 30. Identifiers: Orphanet 101010, MedGen C5235139, MONDO:0012476.

Allele frequency attached by ClinVar (database versions not stated): gnomAD exomes below 0.00001 and 0.00001; gnomAD 0.00004; TOPMed 0.00004; ESP Exome Variant Server 0.00018.
gnomAD v4.1: 11 of 1,547,682 alleles (0.00071%); highest among the groups gnomAD compares: African/African-American, 0.0041%; no homozygotes.

Submissions (2):

Labcorp Genetics (formerly Invitae), Labcorp
Classification: Likely benign for Hereditary spastic paraplegia 30; Neuropathy, hereditary sensory, type 2C; Intellectual disability, autosomal dominant 9. Last evaluated: 2025-05-19. Review status: criteria provided, single submitter. Criteria: Invitae Variant Classification Sherloc (09022015). Collection method: clinical testing. Allele origin: germline.

Ambry Genetics
Classification: Uncertain significance for Inborn genetic diseases. Last evaluated: 2021-05-28. Review status: criteria provided, single submitter. Criteria: Ambry Variant Classification Scheme 2023. Collection method: clinical testing. Allele origin: germline.
Comment: The p.R1538H variant (also known as c.4613G>A), located in coding exon 42 of the KIF1A gene, results from a G to A substitution at nucleotide position 4613. The arginine at codon 1538 is replaced by histidine, an amino acid with highly similar properties. This amino acid position is not well conserved in available vertebrate species. In addition, this alteration is predicted to be tolerated by in silico analysis. Since supporting evidence is limited at this time, the clinical significance of this alteration remains unclear.

NM_001244008.2(KIF1A):c.4613G>A (p.Arg1538His)

Gene: KIF1A (kinesin family member 1A; minus strand). Cytogenetic location: 2q37.3.
Variant type: single nucleotide variant.
Coding change: c.4613G>A on transcript NM_001244008.2 (MANE Select); coding-DNA position 4613, G replaced by A.
Protein change: p.Arg1538His; replaces arginine 1538 with histidine.
Molecular consequence: missense variant.
Genome position (GRCh38, 1-based): chr2:240,722,508, C>T on the plus strand (G>A on the coding strand, the complement: KIF1A is on the minus strand). VCF-style: chr2-240722508-C-T. GRCh37 (hg19) VCF-style: chr2-241661925-C-T.
Other names: c.4337G>A, p.Arg1446His (NM_001320705.2, NM_001379649.1); c.4364G>A, p.Arg1455His (NM_001330289.2); c.4412G>A, p.Arg1471His (NM_001330290.2, NM_001379648.1); c.4688G>A, p.Arg1563His (NM_001379631.1); c.4589G>A, p.Arg1530His (NM_001379632.1); c.4586G>A, p.Arg1529His (NM_001379633.1, NM_001379645.1); c.4439G>A, p.Arg1480His (NM_001379634.1); c.4436G>A, p.Arg1479His (NM_001379635.1, NM_001379646.1); and 7 more; short protein forms R1445H, R1446H, R1454H, R1455H, R1437H, R1529H, R1436H, R1471H.
Identifiers: ClinVar variation 1355067 (VCV001355067.8), dbSNP rs371195054, ClinGen allele CA2207375.
Genomic context (GRCh38, chr2:240,722,508, plus strand): 5'-GGACCCACCTTGACGGCCAGCTCCCGCTGCCTCTCGTTGGGAGCCTCCAGGGGTGATGGG[C>T]GGCCCTCAGCCGAGAGCGGGGAGGAGGCGCTGGAGGAGCCATGGGACTCAGAGTCCTCGC-3'
Protein context (NP_001230937.1, residues 1528-1548): SASSPLSAEG[Arg1538His]PSPLEAPNER